The following is an entry in ClinVar:

NM_001165963.4(SCN1A):c.4759G>A (p.Glu1587Lys)

Genes: SCN1A (sodium voltage-gated channel alpha subunit 1; minus strand), LOC102724058 (uncharacterized LOC102724058; plus strand). Cytogenetic location: 2q24.3.
Variant type: single nucleotide variant.
Coding change: c.4759G>A on transcript NM_001165963.4 (MANE Select); coding-DNA position 4759, G replaced by A.
Protein change: p.Glu1587Lys; replaces glutamic acid 1587 with lysine.
Molecular consequence: missense variant. On other transcripts: non-coding transcript variant (1).
Genome position (GRCh38, 1-based): chr2:165,994,239, C>T on the plus strand (G>A on the coding strand, the complement: SCN1A is on the minus strand). VCF-style: chr2-165994239-C-T. GRCh37 (hg19) VCF-style: chr2-166850749-C-T.
Other names: c.4675G>A, p.Glu1559Lys (NM_001165964.3, NM_001353957.2, NM_001353958.2); c.4759G>A, p.Glu1587Lys (NM_001202435.3, NM_001353948.2); c.4726G>A, p.Glu1576Lys (NM_001353949.2, NM_001353950.2, NM_001353951.2 and 2 more transcripts); c.4723G>A, p.Glu1575Lys (NM_001353954.2, NM_001353955.2); c.4672G>A, p.Glu1558Lys (NM_001353960.2); c.2317G>A, p.Glu773Lys (NM_001353961.2); short protein forms E1558K, E1559K, E1575K, E1576K, E1587K, E773K.
Identifiers: ClinVar variation 3067166 (VCV003067166.2), dbSNP rs1553520984, ClinGen allele CA349071657.
Genomic context (GRCh38, chr2:165,994,239, plus strand): 5'-AAATATTCCATCCAATGGTAAAATAATAATGGCGTAGAGAGATGAGTTTCAGTACACACT[C>T]TCCAGTAAATAGCACAATGAACACCAGATTGATGCGTGACAAAATGGTAGTCACATATTC-3'
Protein context (NP_001159435.1, residues 1577-1597): NLVFIVLFTG[Glu1587Lys]CVLKLISLRH

Conditions:
Severe myoclonic epilepsy in infancy (DRVT). Also called: Epileptic encephalopathy, early infantile, 6 (Dravet syndrome); Dravet syndrome; SEVERE MYOCLONIC EPILEPSY OF INFANCY; DEVELOPMENTAL AND EPILEPTIC ENCEPHALOPATHY 6A; Severe Myoclonic Epilepsy in Infancy (SMEI). Identifiers: Orphanet 33069, MedGen C0751122, MONDO:0100135, OMIM 607208.

Submission:

Channelopathy-Associated Epilepsy Research Center
No classification provided (evidence only). Condition: Severe myoclonic epilepsy in infancy. Review status: no classification provided. Collection method: literature only. Allele origin: not applicable. Functional consequence: Absence of peak current.
ClinVar note: "not provided" was previously submitted as the classification for the variant. However, the classification appeared to be based only on an observation of functional data so it was converted to no classification on 2025-07-30.

Literature cited by the submitters: PubMed 32581296.